The following is an entry in ClinVar:

ClinVar aggregate classification (germline): Uncertain significance (1 of 4 stars; one submission).

Submission:

Labcorp Genetics (formerly Invitae), Labcorp
Classification: Uncertain significance. Last evaluated: 2024-12-24. Review status: criteria provided, single submitter. Criteria: Invitae Variant Classification Sherloc (09022015). Collection method: clinical testing. Allele origin: germline.
Comment: This sequence change replaces valine, which is neutral and non-polar, with glutamic acid, which is acidic and polar, at codon 220 of the ICOSLG protein (p.Val220Glu). This variant is not present in population databases (gnomAD no frequency). This variant has not been reported in the literature in individuals affected with ICOSLG-related conditions. An algorithm developed to predict the effect of missense changes on protein structure and function (PolyPhen-2) suggests that this variant is likely to be tolerated. In summary, the available evidence is currently insufficient to determine the role of this variant in disease. Therefore, it has been classified as a Variant of Uncertain Significance.

NM_015259.6(ICOSLG):c.659T>A (p.Val220Glu)

Gene: ICOSLG (inducible T cell costimulator ligand; minus strand). Cytogenetic location: 21q22.3.
Variant type: single nucleotide variant.
Coding change: c.659T>A on transcript NM_015259.6 (MANE Select); coding-DNA position 659, T replaced by A.
Protein change: p.Val220Glu; replaces valine 220 with glutamic acid.
Molecular consequence: missense variant.
Genome position (GRCh38, 1-based): chr21:44,235,310, A>T on the plus strand (T>A on the coding strand, the complement: ICOSLG is on the minus strand). VCF-style: chr21-44235310-A-T. GRCh37 (hg19) VCF-style: chr21-45655193-A-T.
Other names: c.659T>A, p.Val220Glu (NM_001283050.2, NM_001395918.1); c.308T>A, p.Val103Glu (NM_001283051.2); c.404T>A, p.Val135Glu (NM_001283052.2); c.578T>A, p.Val193Glu (NM_001365759.2); short protein forms V220E, V103E, V135E, V193E.
Identifiers: ClinVar variation 3728026 (VCV003728026.2).